The following is an entry in ClinVar:

NM_000492.4(CFTR):c.4340T>A (p.Val1447Glu)

Genes: CFTR (CF transmembrane conductance regulator; plus strand), LOC111674477 (CFTR intron 23 enhancer; plus strand). Cytogenetic location: 7q31.2.
Variant type: single nucleotide variant.
Coding change: c.4340T>A on transcript NM_000492.4 (MANE Select); coding-DNA position 4340, T replaced by A.
Protein change: p.Val1447Glu; replaces valine 1447 with glutamic acid.
Molecular consequence: missense variant.
Genome position (GRCh38, 1-based): chr7:117,667,005, T>A. VCF-style: chr7-117667005-T-A. GRCh37 (hg19) VCF-style: chr7-117307059-T-A.
Other names: short protein forms V1447E.
Identifiers: ClinVar variation 455781 (VCV000455781.16), dbSNP rs1397796355, ClinGen allele CA368984996.

ClinVar aggregate classification (germline): Uncertain significance. Review status: criteria provided, multiple submitters, no conflicts (2 of 4 stars). 5 submissions from 5 submitters: Uncertain significance (4). 1 of the submissions does not count toward it. Last evaluated 2025-06-09.

Conditions:
CFTR-related disorder (CFTR-RD). Also called: CFTR-related disorders; CFTR-related condition. Identifiers: MedGen C5924204, MONDO:7770004.
Cystic fibrosis (CF). Also called: MUCOVISCIDOSIS. Identifiers: Orphanet 586, MedGen C0010674, MONDO:0009061, OMIM 219700. Disease mechanism: loss of function.

Allele frequency attached by ClinVar (database versions not stated): gnomAD exomes below 0.00001; TOPMed 0.00002; gnomAD 0.00003.
gnomAD v4.1: 8 of 1,613,612 alleles (0.0005%); highest among the groups gnomAD compares: African/African-American, 0.004%; no homozygotes.

Submissions (5):

Ambry Genetics
Classification: Uncertain significance for Cystic fibrosis. Last evaluated: 2025-06-09. Review status: criteria provided, single submitter. Criteria: Ambry Variant Classification Scheme 2023. Collection method: clinical testing. Allele origin: germline.
Comment: The p.V1447E variant (also known as c.4340T>A), located in coding exon 27 of the CFTR gene, results from a T to A substitution at nucleotide position 4340. The valine at codon 1447 is replaced by glutamic acid, an amino acid with dissimilar properties. This amino acid position is not well conserved in available vertebrate species. In addition, the in silico prediction for this alteration is inconclusive. Based on the available evidence, the clinical significance of this variant remains unclear.

Labcorp Genetics (formerly Invitae), Labcorp
Classification: Uncertain significance for Cystic fibrosis. Last evaluated: 2024-04-24. Review status: criteria provided, single submitter. Criteria: Invitae Variant Classification Sherloc (09022015). Collection method: clinical testing. Allele origin: germline.
Comment: This sequence change replaces valine, which is neutral and non-polar, with glutamic acid, which is acidic and polar, at codon 1447 of the CFTR protein (p.Val1447Glu). This variant is not present in population databases (gnomAD no frequency). This variant has not been reported in the literature in individuals affected with CFTR-related conditions. ClinVar contains an entry for this variant (Variation ID: 455781). Advanced modeling of protein sequence and biophysical properties (such as structural, functional, and spatial information, amino acid conservation, physicochemical variation, residue mobility, and thermodynamic stability) performed at Invitae indicates that this missense variant is not expected to disrupt CFTR protein function with a negative predictive value of 95%. In summary, the available evidence is currently insufficient to determine the role of this variant in disease. Therefore, it has been classified as a Variant of Uncertain Significance.

Genome-Nilou Lab
Classification: Uncertain significance for Cystic fibrosis. Last evaluated: 2021-09-05. Review status: criteria provided, single submitter. Criteria: ACMG Guidelines, 2015. Collection method: clinical testing. Allele origin: germline. Affected: no.

ARUP Laboratories, Molecular Genetics and Genomics, ARUP Laboratories
Classification: Uncertain significance. Last evaluated: 2019-03-01. Review status: criteria provided, single submitter. Criteria: ARUP Molecular Germline Variant Investigation Process. Collection method: clinical testing. Allele origin: germline.
Comment: The CFTR c.4340T>A; p.Val1447Glu variant (rs1397796355), to our knowledge, is not reported in the medical literature but is reported in ClinVar (Variation ID: 455781). This variant is absent from general population databases (Exome Variant Server, Genome Aggregation Database), indicating it is not a common polymorphism. The valine at codon 1447 is weakly conserved, but computational analyses (SIFT: damaging, PolyPhen-2: benign) predict conflicting effects of this variant on protein structure/function. Given the lack of clinical and functional data, the significance of the p.Val1447Glu variant is uncertain at this time.

Natera, Inc.
Classification: Uncertain significance for CFTR-related disorders. Last evaluated: 2018-05-01. Review status: no assertion criteria provided. Collection method: clinical testing. Allele origin: germline. Not counted in ClinVar's aggregate classification.